The following is an entry in ClinVar:

ClinVar aggregate classification (germline): Uncertain significance. Review status: criteria provided, multiple submitters, no conflicts (2 of 4 stars). 2 submissions from 2 submitters: Uncertain significance (2). Last evaluated 2025-03-17.

Allele frequency attached by ClinVar (database versions not stated): ESP Exome Variant Server 0.00015; ExAC 0.00002; gnomAD 0.00008; TOPMed 0.00009; gnomAD exomes 0.00001.

Submissions (2):

Mayo Clinic Laboratories, Mayo Clinic
Classification: Uncertain significance. Last evaluated: 2025-03-17. Review status: criteria provided, single submitter. Criteria: ACMG Guidelines, 2015. Collection method: clinical testing. Allele origin: germline. Observed: 1 variant allele.

Labcorp Genetics (formerly Invitae), Labcorp
Classification: Uncertain significance. Last evaluated: 2022-09-01. Review status: criteria provided, single submitter. Criteria: Invitae Variant Classification Sherloc (09022015). Collection method: clinical testing. Allele origin: germline.
Comment: In summary, the available evidence is currently insufficient to determine the role of this variant in disease. Therefore, it has been classified as a Variant of Uncertain Significance. Algorithms developed to predict the effect of sequence changes on RNA splicing suggest that this variant may create or strengthen a splice site. Algorithms developed to predict the effect of missense changes on protein structure and function (SIFT, PolyPhen-2, Align-GVGD) all suggest that this variant is likely to be tolerated. This variant has not been reported in the literature in individuals affected with CRLF1-related conditions. This variant is present in population databases (rs376052792, gnomAD 0.03%). This sequence change replaces asparagine, which is neutral and polar, with lysine, which is basic and polar, at codon 168 of the CRLF1 protein (p.Asn168Lys).

NM_004750.5(CRLF1):c.504C>G (p.Asn168Lys)

Gene: CRLF1 (cytokine receptor like factor 1; minus strand). Cytogenetic location: 19p13.11.
Variant type: single nucleotide variant.
Coding change: c.504C>G on transcript NM_004750.5 (MANE Select); coding-DNA position 504, C replaced by G.
Protein change: p.Asn168Lys; replaces asparagine 168 with lysine.
Molecular consequence: missense variant.
Genome position (GRCh38, 1-based): chr19:18,598,795, G>C on the plus strand (C>G on the coding strand, the complement: CRLF1 is on the minus strand). VCF-style: chr19-18598795-G-C. GRCh37 (hg19) VCF-style: chr19-18709605-G-C.
Other names: p.Asn168Lys; short protein forms N168K.
Identifiers: ClinVar variation 1973588 (VCV001973588.5), dbSNP rs376052792, ClinGen allele CA9314229.
Genomic context (GRCh38, chr19:18,598,795, plus strand): 5'-CCTGGGACACACACATCGCCCTCAGGCCACCACCAACCTAAGCTTGTACTTGAGGGAGTA[G>C]TTGGTGTGGAGGAAGGTCTCCCCGTGGGCCCCTGGCGTCCAGCGGCAGGTCAAGTCCTTC-3'
Protein context (NP_004741.1, residues 158-178): GAHGETFLHT[Asn168Lys]YSLKYKLRWY